The following is an entry in ClinVar:

ClinVar aggregate classification (germline): Uncertain significance (1 of 4 stars; one submission).

Conditions:
Inborn genetic diseases. Identifiers: MedGen C0950123, MeSH D030342.

gnomAD v4.1: 2 of 1,612,612 alleles (0.00012%); highest among the groups gnomAD compares: Non-Finnish European, 0.00017%; no homozygotes.

Submission:

Ambry Genetics
Classification: Uncertain significance for Inborn genetic diseases. Last evaluated: 2026-07-06. Review status: criteria provided, single submitter. Criteria: Ambry Variant Classification Scheme 2023. Collection method: clinical testing. Allele origin: germline.
Comment: The p.D311E variant (also known as c.933C>G), located in coding exon 5 of the ETV6 gene, results from a C to G substitution at nucleotide position 933. The aspartic acid at codon 311 is replaced by glutamic acid, an amino acid with highly similar properties. This amino acid position is conserved. In addition, this alteration is predicted to be tolerated by in silico analysis. Based on the available evidence, the clinical significance of this variant remains unclear.

NM_001987.5(ETV6):c.933C>G (p.Asp311Glu)

Gene: ETV6 (ETS variant transcription factor 6; plus strand). Cytogenetic location: 12p13.2.
Variant type: single nucleotide variant.
Coding change: c.933C>G on transcript NM_001987.5 (MANE Select); coding-DNA position 933, C replaced by G.
Protein change: p.Asp311Glu; replaces aspartic acid 311 with glutamic acid.
Molecular consequence: missense variant.
Genome position (GRCh38, 1-based): chr12:11,869,893, C>G. VCF-style: chr12-11869893-C-G. GRCh37 (hg19) VCF-style: chr12-12022827-C-G.
Other names: c.930C>G, p.Asp310Glu (NM_001413913.1); c.906C>G, p.Asp302Glu (NM_001413914.1); c.669C>G, p.Asp223Glu (NM_001413915.1); c.933C>G, p.Asp311Glu (NM_001413916.1, NM_001413917.1); short protein forms D302E, D311E, D223E, D310E.
Identifiers: ClinVar variation 5036178 (VCV005036178.1).
Genomic context (GRCh38, chr12:11,869,893, plus strand): 5'-GCTCTCCGAGGACGGGCTGCATAGGGAAGGGAAGCCCATCAACCTCTCTCATCGGGAAGA[C>G]CTGGCTTACATGAACCACATCATGGTCTCTGTCTCCCCGCCTGAAGAGCACGCCATGCCC-3'
Protein context (NP_001978.1, residues 301-321): GKPINLSHRE[Asp311Glu]LAYMNHIMVS